The following is an entry in ClinVar:

ClinVar aggregate classification (germline): Pathogenic (1 of 4 stars; one submission).

Submission:

Labcorp Genetics (formerly Invitae), Labcorp
Classification: Pathogenic. Last evaluated: 2022-11-29. Review status: criteria provided, single submitter. Criteria: Invitae Variant Classification Sherloc (09022015). Collection method: clinical testing. Allele origin: germline.
Comment: This sequence change creates a premature translational stop signal (p.Gln293*) in the TCIRG1 gene. It is expected to result in an absent or disrupted protein product. Loss-of-function variants in TCIRG1 are known to be pathogenic (PMID: 10888887, 10942435, 11532986, 19448635). For these reasons, this variant has been classified as Pathogenic. Algorithms developed to predict the effect of sequence changes on RNA splicing suggest that this variant may create or strengthen a splice site. The frequency data for this variant in the population databases is considered unreliable, as metrics indicate poor data quality at this position in the gnomAD database. This variant has not been reported in the literature in individuals affected with TCIRG1-related conditions.

Literature cited by the submitters: PubMed 10888887; PubMed 10942435; PubMed 11532986; PubMed 19448635.

NM_006019.4(TCIRG1):c.877C>T (p.Gln293Ter)

Gene: TCIRG1 (T cell immune regulator 1, ATPase H+ transporting V0 subunit a3; plus strand). Cytogenetic location: 11q13.2.
Variant type: single nucleotide variant.
Coding change: c.877C>T on transcript NM_006019.4 (MANE Select); coding-DNA position 877, C replaced by T.
Protein change: p.Gln293Ter; replaces glutamine 293 with a stop codon.
Molecular consequence: nonsense. On other transcripts: 5 prime UTR variant (1).
Genome position (GRCh38, 1-based): chr11:68,044,201, C>T. VCF-style: chr11-68044201-C-T. GRCh37 (hg19) VCF-style: chr11-67811668-C-T.
Other names: c.-18C>T (NM_001351059.2); c.229C>T, p.Gln77Ter (NM_006053.4); short protein forms Q77*, Q293*.
Identifiers: ClinVar variation 2103017 (VCV002103017.4), dbSNP rs1342609077, ClinGen allele CA381580180.
Genomic context (GRCh38, chr11:68,044,201, plus strand): 5'-GAGACAGAGCGGTTCCTGAGCCAGGTGCTAGGCCGGGTGCTGCAGCTGCTGCCGCCAGGG[C>T]AGGTGCAGGTCCACAAGATGAAGGCCGTGTACCTGGCCCTGAACCAGTGCAGCGTGAGCA-3'